The following is an entry in ClinVar:

NM_002025.4(AFF2):c.3395A>G (p.Glu1132Gly)

Gene: AFF2 (ALF transcription elongation factor 2; plus strand). Cytogenetic location: Xq28.
Variant type: single nucleotide variant.
Coding change: c.3395A>G on transcript NM_002025.4 (MANE Select); coding-DNA position 3395, A replaced by G.
Protein change: p.Glu1132Gly; replaces glutamic acid 1132 with glycine.
Molecular consequence: missense variant.
Genome position (GRCh38, 1-based): chrX:148,973,598, A>G. VCF-style: chrX-148973598-A-G. GRCh37 (hg19) VCF-style: chrX-148055128-A-G.
Other names: c.3290A>G, p.Glu1097Gly (NM_001169122.2, NM_001169124.2); c.3365A>G, p.Glu1122Gly (NM_001169123.2); c.3278A>G, p.Glu1093Gly (NM_001169125.2); c.2318A>G, p.Glu773Gly (NM_001170628.1); short protein forms E1093G, E1097G, E1122G, E1132G, E773G.
Identifiers: ClinVar variation 1702599 (VCV001702599.2), dbSNP rs2124402692, ClinGen allele CA414513517.

ClinVar aggregate classification (germline): Uncertain significance (1 of 4 stars; one submission).

Submission:

GeneDx
Classification: Uncertain significance. Last evaluated: 2022-02-17. Review status: criteria provided, single submitter. Criteria: GeneDx Variant Classification Process June 2021. Collection method: clinical testing. Allele origin: germline. Affected: yes.
Comment: Not observed at significant frequency in large population cohorts (gnomAD); In silico analysis supports that this missense variant has a deleterious effect on protein structure/function; Has not been previously published as pathogenic or benign to our knowledge